The following is an entry in ClinVar:

NM_173728.4(ARHGEF15):c.2068C>T (p.Arg690Cys)

Gene: ARHGEF15 (Rho guanine nucleotide exchange factor 15; plus strand). Cytogenetic location: 17p13.1.
Variant type: single nucleotide variant.
Coding change: c.2068C>T on transcript NM_173728.4 (MANE Select); coding-DNA position 2068, C replaced by T.
Protein change: p.Arg690Cys; replaces arginine 690 with cysteine.
Molecular consequence: missense variant.
Genome position (GRCh38, 1-based): chr17:8,319,041, C>T. VCF-style: chr17-8319041-C-T. GRCh37 (hg19) VCF-style: chr17-8222359-C-T.
Other names: c.2068C>T, p.Arg690Cys (NM_025014.2); short protein forms R690C.
Identifiers: ClinVar variation 530461 (VCV000530461.11), dbSNP rs1480801589, ClinGen allele CA398024321.

ClinVar aggregate classification (germline): Uncertain significance (1 of 4 stars; one submission).

Conditions:
Early-infantile DEE. Also called: Early infantile epileptic encephalopathy; Early infantile epileptic encephalopathy with suppression bursts; Ohtahara syndrome. Identifiers: Orphanet 1934, MedGen C0393706, MONDO:0800491.

Allele frequency attached by ClinVar (database versions not stated): gnomAD exomes below 0.00001; TOPMed below 0.00001; gnomAD 0.00002.
gnomAD v4.1: 4 of 1,613,794 alleles (0.00025%); highest among the groups gnomAD compares: African/African-American, 0.004%; no homozygotes.

Submission:

Labcorp Genetics (formerly Invitae), Labcorp
Classification: Uncertain significance for Early-infantile DEE. Last evaluated: 2022-08-09. Review status: criteria provided, single submitter. Criteria: Invitae Variant Classification Sherloc (09022015). Collection method: clinical testing. Allele origin: germline.
Comment: This sequence change replaces arginine, which is basic and polar, with cysteine, which is neutral and slightly polar, at codon 690 of the ARHGEF15 protein (p.Arg690Cys). In summary, the available evidence is currently insufficient to determine the role of this variant in disease. Therefore, it has been classified as a Variant of Uncertain Significance. Algorithms developed to predict the effect of missense changes on protein structure and function (SIFT, PolyPhen-2, Align-GVGD) all suggest that this variant is likely to be disruptive. ClinVar contains an entry for this variant (Variation ID: 530461). This variant has not been reported in the literature in individuals affected with ARHGEF15-related conditions. This variant is present in population databases (no rsID available, gnomAD 0.01%).